The following is an entry in ClinVar:

ClinVar aggregate classification (germline): Uncertain significance (1 of 4 stars; one submission).

Allele frequency attached by ClinVar (database versions not stated): ExAC 0.00001; gnomAD exomes 0.00001.
gnomAD v4.1: 22 of 1,613,868 alleles (0.0014%); highest among the groups gnomAD compares: African/African-American, 0.004%; no homozygotes.

Submission:

Labcorp Genetics (formerly Invitae), Labcorp
Classification: Uncertain significance. Last evaluated: 2021-04-08. Review status: criteria provided, single submitter. Criteria: Invitae Variant Classification Sherloc (09022015). Collection method: clinical testing. Allele origin: germline.
Comment: In summary, the available evidence is currently insufficient to determine the role of this variant in disease. Therefore, it has been classified as a Variant of Uncertain Significance. Algorithms developed to predict the effect of missense changes on protein structure and function (SIFT, PolyPhen-2, Align-GVGD) all suggest that this variant is likely to be disruptive, but these predictions have not been confirmed by published functional studies and their clinical significance is uncertain. This variant has not been reported in the literature in individuals with EPHA4-related conditions. This variant is present in population databases (rs756184907, ExAC 0.02%). This sequence change replaces arginine with histidine at codon 357 of the EPHA4 protein (p.Arg357His). The arginine residue is highly conserved and there is a small physicochemical difference between arginine and histidine.

NM_004438.5(EPHA4):c.1070G>A (p.Arg357His)

Gene: EPHA4 (EPH receptor A4; minus strand). Cytogenetic location: 2q36.1.
Variant type: single nucleotide variant.
Coding change: c.1070G>A on transcript NM_004438.5 (MANE Select); coding-DNA position 1070, G replaced by A.
Protein change: p.Arg357His; replaces arginine 357 with histidine.
Molecular consequence: missense variant.
Genome position (GRCh38, 1-based): chr2:221,482,600, C>T on the plus strand (G>A on the coding strand, the complement: EPHA4 is on the minus strand). VCF-style: chr2-221482600-C-T. GRCh37 (hg19) VCF-style: chr2-222347320-C-T.
Other names: c.1070G>A, p.Arg357His (NM_001304536.2, NM_001363748.2); c.917G>A, p.Arg306His (NM_001304537.2); short protein forms R357H, R306H.
Identifiers: ClinVar variation 1524104 (VCV001524104.8), dbSNP rs756184907, ClinGen allele CA2135125.